The following is an entry in ClinVar:

ClinVar aggregate classification (germline): Uncertain significance (1 of 4 stars; one submission).

Conditions:
Autoimmune interstitial lung disease-arthritis syndrome. Also called: Autoinflammation and autoimmunity, systemic, with immune dysregulation. Identifiers: Orphanet 444092, MedGen C5975714, MONDO:0014629.

Submission:

Labcorp Genetics (formerly Invitae), Labcorp
Classification: Uncertain significance for Autoimmune interstitial lung disease-arthritis syndrome. Last evaluated: 2025-01-25. Review status: criteria provided, single submitter. Criteria: Invitae Variant Classification Sherloc (09022015). Collection method: clinical testing. Allele origin: germline.
Comment: This sequence change replaces threonine, which is neutral and polar, with isoleucine, which is neutral and non-polar, at codon 193 of the COPA protein (p.Thr193Ile). This variant is present in population databases (no rsID available, gnomAD 0.007%). This variant has not been reported in the literature in individuals affected with COPA-related conditions. Invitae Evidence Modeling of protein sequence and biophysical properties (such as structural, functional, and spatial information, amino acid conservation, physicochemical variation, residue mobility, and thermodynamic stability) indicates that this missense variant is not expected to disrupt COPA protein function with a negative predictive value of 80%. In summary, the available evidence is currently insufficient to determine the role of this variant in disease. Therefore, it has been classified as a Variant of Uncertain Significance.

NM_004371.4(COPA):c.578C>T (p.Thr193Ile)

Gene: COPA (coat protein complex I subunit alpha; minus strand). Cytogenetic location: 1q23.2.
Variant type: single nucleotide variant.
Coding change: c.578C>T on transcript NM_004371.4 (MANE Select); coding-DNA position 578, C replaced by T.
Protein change: p.Thr193Ile; replaces threonine 193 with isoleucine.
Molecular consequence: missense variant.
Genome position (GRCh38, 1-based): chr1:160,325,571, G>A on the plus strand (C>T on the coding strand, the complement: COPA is on the minus strand). VCF-style: chr1-160325571-G-A. GRCh37 (hg19) VCF-style: chr1-160295361-G-A.
Other names: c.578C>T, p.Thr193Ile (NM_001098398.2); short protein forms T193I.
Identifiers: ClinVar variation 3670684 (VCV003670684.2).